The following is an entry in ClinVar:

NM_024580.6(EFL1):c.1124A>T (p.Glu375Val)

Gene: EFL1 (elongation factor like GTPase 1; minus strand). Cytogenetic location: 15q25.2.
Variant type: single nucleotide variant.
Coding change: c.1124A>T on transcript NM_024580.6 (MANE Select); coding-DNA position 1124, A replaced by T.
Protein change: p.Glu375Val; replaces glutamic acid 375 with valine.
Molecular consequence: missense variant. On other transcripts: non-coding transcript variant (1).
Genome position (GRCh38, 1-based): chr15:82,227,518, T>A on the plus strand (A>T on the coding strand, the complement: EFL1 is on the minus strand). VCF-style: chr15-82227518-T-A. GRCh37 (hg19) VCF-style: chr15-82519859-T-A.
Other names: c.971A>T, p.Glu324Val (NM_001040610.3); c.335A>T, p.Glu112Val (NM_001322844.2); c.1124A>T, p.Glu375Val (NM_001322845.2); short protein forms E375V, E112V, E324V.
Identifiers: ClinVar variation 2051040 (VCV002051040.4), dbSNP rs2074777191, ClinGen allele CA393277117.

ClinVar aggregate classification (germline): Uncertain significance (1 of 4 stars; one submission).

Allele frequency attached by ClinVar (database versions not stated): TOPMed below 0.00001.

Submission:

Labcorp Genetics (formerly Invitae), Labcorp
Classification: Uncertain significance. Last evaluated: 2022-02-23. Review status: criteria provided, single submitter. Criteria: Invitae Variant Classification Sherloc (09022015). Collection method: clinical testing. Allele origin: germline.
Comment: This sequence change replaces glutamic acid, which is acidic and polar, with valine, which is neutral and non-polar, at codon 375 of the EFL1 protein (p.Glu375Val). This variant is not present in population databases (gnomAD no frequency). This variant has not been reported in the literature in individuals affected with EFL1-related conditions. Algorithms developed to predict the effect of missense changes on protein structure and function (SIFT, PolyPhen-2, Align-GVGD) all suggest that this variant is likely to be tolerated. Algorithms developed to predict the effect of sequence changes on RNA splicing suggest that this variant may create or strengthen a splice site. In summary, the available evidence is currently insufficient to determine the role of this variant in disease. Therefore, it has been classified as a Variant of Uncertain Significance.